The following is an entry in ClinVar:

ClinVar aggregate classification (germline): Pathogenic (1 of 4 stars; one submission).

Submission:

Labcorp Genetics (formerly Invitae), Labcorp
Classification: Pathogenic. Last evaluated: 2023-06-09. Review status: criteria provided, single submitter. Criteria: Invitae Variant Classification Sherloc (09022015). Collection method: clinical testing. Allele origin: germline.
Comment: This sequence change creates a premature translational stop signal (p.Leu78Phefs*10) in the MGME1 gene. It is expected to result in an absent or disrupted protein product. Loss-of-function variants in MGME1 are known to be pathogenic (PMID: 23313956). This variant is not present in population databases (gnomAD no frequency). This variant has not been reported in the literature in individuals affected with MGME1-related conditions. For these reasons, this variant has been classified as Pathogenic.

Literature cited by the submitters: PubMed 23313956.

NM_052865.4(MGME1):c.228_231dup (p.Leu78fs)

Genes: MGME1 (mitochondrial genome maintenance exonuclease 1; plus strand), LOC126862983 (CDK7 strongly-dependent group 2 enhancer GRCh37_chr20:17950167-17951366; plus strand). Cytogenetic location: 20p11.23.
Variant type: Duplication.
Coding change: c.228_231dup on transcript NM_052865.4 (MANE Select); coding-DNA positions 228 to 231, 4 bases duplicated (TTTG; older notation c.228_231dupTTTG).
Protein change: p.Leu78fs; shifts the reading frame from leucine 78.
Molecular consequence: frameshift variant.
Genome position (GRCh38, 1-based): chr20:17,970,087-17,970,090, TTTG duplicated. VCF-style (leftmost placement, unchanged base first): chr20-17970086-C-CTTTG. GRCh37 (hg19) VCF-style: chr20-17950729-C-CTTTG.
Other names: c.228_231dup, p.Leu78fs (NM_001310338.2, NM_001310339.2, NM_001363738.2); short protein forms L78fs.
Identifiers: ClinVar variation 2705567 (VCV002705567.3), dbSNP rs2515221970, ClinGen allele CA2697547309.